The following is an entry in ClinVar:

NM_017636.4(TRPM4):c.2476_2477dup (p.Glu827fs)

Gene: TRPM4 (transient receptor potential cation channel subfamily M member 4; plus strand). Cytogenetic location: 19q13.33.
Variant type: Microsatellite.
Coding change: c.2476_2477dup on transcript NM_017636.4 (MANE Select); coding-DNA positions 2476 to 2477, 2 bases duplicated (TG; older notation c.2476_2477dupTG).
Protein change: p.Glu827fs; shifts the reading frame from glutamic acid 827.
Molecular consequence: frameshift variant. On other transcripts: intron variant (1).
Genome position (GRCh38, 1-based): chr19:49,196,705-49,196,706, TG duplicated; duplicating any 2 consecutive bases within chr19:49,196,703-49,196,706 gives the same sequence; the c. name uses the placement nearest the transcript's 3' end. VCF-style (leftmost placement, unchanged base first): chr19-49196702-C-CTG. GRCh37 (hg19) VCF-style: chr19-49699959-C-CTG.
Other names: c.2131_2132dup, p.Glu712fs (NM_001321281.2); c.868_869dup, p.Glu291fs (NM_001321282.2); c.1954_1955dup, p.Glu653fs (NM_001321283.2); c.1414_1415dup, p.Glu473fs (NM_001321285.2); c.2211-3597TG[3] (NM_001195227.2); short protein forms E653fs, E827fs, E712fs, E473fs, E291fs.
Identifiers: ClinVar variation 2814385 (VCV002814385.3), dbSNP rs2514179343, ClinGen allele CA2739276922.

ClinVar aggregate classification (germline): Uncertain significance (1 of 4 stars; one submission).

Conditions:
Progressive familial heart block type IB (PFHB1B). Identifiers: Orphanet 871, MedGen C1970298, MONDO:0011474, OMIM 604559.

Submission:

Labcorp Genetics (formerly Invitae), Labcorp
Classification: Uncertain significance for Progressive familial heart block type IB. Last evaluated: 2022-11-15. Review status: criteria provided, single submitter. Criteria: Invitae Variant Classification Sherloc (09022015). Collection method: clinical testing. Allele origin: germline.
Comment: This sequence change creates a premature translational stop signal (p.Glu827Alafs*8) in the TRPM4 gene. It is expected to result in an absent or disrupted protein product. However, the current clinical and genetic evidence is not sufficient to establish whether loss-of-function variants in TRPM4 cause disease. This variant is not present in population databases (gnomAD no frequency). This variant has not been reported in the literature in individuals affected with TRPM4-related conditions. In summary, the available evidence is currently insufficient to determine the role of this variant in disease. Therefore, it has been classified as a Variant of Uncertain Significance.